The following is an entry in ClinVar:

ClinVar aggregate classification (germline): Likely benign. Review status: criteria provided, multiple submitters, no conflicts (2 of 4 stars). 2 submissions from 2 submitters: Likely benign (2). Last evaluated 2018-06-16.

Allele frequency attached by ClinVar (database versions not stated): gnomAD 0.01757 and 0.01984; TOPMed 0.02827; 1000 Genomes Project 0.05272; 1000 Genomes Project 30x 0.05325.

Submissions (2):

GeneDx
Classification: Likely benign. Last evaluated: 2018-06-16. Review status: criteria provided, single submitter. Criteria: GeneDx Variant Classification (06012015). Collection method: clinical testing. Allele origin: germline. Affected: yes.
Comment: This variant is considered likely benign or benign based on one or more of the following criteria: it is a conservative change, it occurs at a poorly conserved position in the protein, it is predicted to be benign by multiple in silico algorithms, and/or has population frequency not consistent with disease.

Breakthrough Genomics
Classification: Likely benign. Review status: criteria provided, single submitter. Criteria: ACMG Guidelines, 2015. Collection method: not provided. Allele origin: germline. Inheritance: Autosomal recessive inheritance. Affected: yes.

NM_006767.4(LZTR1):c.1260+156G>A

Gene: LZTR1 (leucine zipper like post translational regulator 1; plus strand). Cytogenetic location: 22q11.21.
Variant type: single nucleotide variant.
Coding change: c.1260+156G>A on transcript NM_006767.4 (MANE Select); 156 bases into the intron after coding-DNA position 1260, G replaced by A.
Molecular consequence: intron variant.
Genome position (GRCh38, 1-based): chr22:20,993,060, G>A. VCF-style: chr22-20993060-G-A. GRCh37 (hg19) VCF-style: chr22-21347349-G-A.
Identifiers: ClinVar variation 561667 (VCV000561667.2), dbSNP rs739521, ClinGen allele CA322268134.